The following is an entry in ClinVar:

ClinVar aggregate classification (germline): Uncertain significance (1 of 4 stars; one submission).

Allele frequency attached by ClinVar (database versions not stated): gnomAD exomes 0.00010 and 0.00014; ExAC 0.00014; ESP Exome Variant Server 0.00031; gnomAD 0.00038 and 0.00042; TOPMed 0.00042.

Submission:

Labcorp Genetics (formerly Invitae), Labcorp
Classification: Uncertain significance. Last evaluated: 2025-07-16. Review status: criteria provided, single submitter. Criteria: Invitae Variant Classification Sherloc (09022015). Collection method: clinical testing. Allele origin: germline.
Comment: This sequence change replaces glutamic acid, which is acidic and polar, with lysine, which is basic and polar, at codon 360 of the CRAT protein (p.Glu360Lys). This variant is present in population databases (rs146958522, gnomAD 0.08%), and has an allele count higher than expected for a pathogenic variant. This variant has not been reported in the literature in individuals affected with CRAT-related conditions. ClinVar contains an entry for this variant (Variation ID: 1403736). Invitae Evidence Modeling of protein sequence and biophysical properties (such as structural, functional, and spatial information, amino acid conservation, physicochemical variation, residue mobility, and thermodynamic stability) indicates that this missense variant is not expected to disrupt CRAT protein function with a negative predictive value of 80%. In summary, the available evidence is currently insufficient to determine the role of this variant in disease. Therefore, it has been classified as a Variant of Uncertain Significance.

NM_000755.5(CRAT):c.1078G>A (p.Glu360Lys)

Gene: CRAT (carnitine O-acetyltransferase; minus strand). Cytogenetic location: 9q34.11.
Variant type: single nucleotide variant.
Coding change: c.1078G>A on transcript NM_000755.5 (MANE Select); coding-DNA position 1078, G replaced by A.
Protein change: p.Glu360Lys; replaces glutamic acid 360 with lysine.
Molecular consequence: missense variant.
Genome position (GRCh38, 1-based): chr9:129,099,873, C>T on the plus strand (G>A on the coding strand, the complement: CRAT is on the minus strand). VCF-style: chr9-129099873-C-T. GRCh37 (hg19) VCF-style: chr9-131862152-C-T.
Other names: c.1015G>A, p.Glu339Lys (NM_001257363.3, NM_001346548.2, NM_004003.4); c.1081G>A, p.Glu361Lys (NM_001346546.2); c.1078G>A, p.Glu360Lys (NM_001346547.2); c.958G>A, p.Glu320Lys (NM_001346549.2); short protein forms E320K, E360K, E339K, E361K.
Identifiers: ClinVar variation 1403736 (VCV001403736.6), dbSNP rs146958522, ClinGen allele CA5275512.